The following is an entry in ClinVar:

ClinVar aggregate classification (germline): Uncertain significance. Review status: criteria provided, multiple submitters, no conflicts (2 of 4 stars). 6 submissions from 6 submitters: Uncertain significance (5). 1 of the submissions does not count toward it. Last evaluated 2024-04-30.

Conditions:
SCN1B-related disorder. Also called: SCN1B-related condition; SCN1B-Related Disorders.
Cardiovascular phenotype. Identifiers: MedGen CN230736.

Allele frequency attached by ClinVar (database versions not stated): gnomAD exomes below 0.00001; ExAC 0.00001.
gnomAD v4.1: 6 of 1,613,884 alleles (0.00037%); highest among the groups gnomAD compares: South Asian, 0.0011%; no homozygotes.

Submissions (6):

Blueprint Genetics
Classification: Uncertain significance. Last evaluated: 2024-04-30. Review status: criteria provided, single submitter. Criteria: ACMG Guidelines, 2015. Collection method: clinical testing. Allele origin: germline.

Ambry Genetics
Classification: Uncertain significance for Cardiovascular phenotype. Last evaluated: 2022-05-09. Review status: criteria provided, single submitter. Criteria: Ambry Variant Classification Scheme 2023. Collection method: clinical testing. Allele origin: germline.
Comment: The p.R72H variant (also known as c.215G>A), located in coding exon 3 of the SCN1B gene, results from a G to A substitution at nucleotide position 215. The arginine at codon 72 is replaced by histidine, an amino acid with highly similar properties. This amino acid position is conserved. In addition, this alteration is predicted to be tolerated by in silico analysis. Since supporting evidence is limited at this time, the clinical significance of this alteration remains unclear.

Revvity Omics, Revvity
Classification: Uncertain significance. Last evaluated: 2021-12-07. Review status: criteria provided, single submitter. Criteria: ACMG Guidelines, 2015. Collection method: clinical testing. Allele origin: germline.

GeneDx
Classification: Uncertain significance. Last evaluated: 2021-11-15. Review status: criteria provided, single submitter. Criteria: GeneDx Variant Classification Process June 2021. Collection method: clinical testing. Allele origin: germline. Affected: yes.
Comment: Not observed at significant frequency in large population cohorts (gnomAD); In silico analysis supports that this missense variant does not alter protein structure/function; Has not been previously published as pathogenic or benign to our knowledge; This variant is associated with the following publications: (PMID: 30190309)

ARUP Laboratories, Molecular Genetics and Genomics, ARUP Laboratories
Classification: Uncertain significance. Last evaluated: 2020-06-28. Review status: criteria provided, single submitter. Criteria: ARUP Molecular Germline Variant Investigation Process. Collection method: clinical testing. Allele origin: germline.

PreventionGenetics, part of Exact Sciences
Classification: Uncertain significance for SCN1B-related condition. Last evaluated: 2024-07-20. Review status: no assertion criteria provided. Collection method: clinical testing. Allele origin: germline. Not counted in ClinVar's aggregate classification.
Comment: The SCN1B c.215G>A variant is predicted to result in the amino acid substitution p.Arg72His. To our knowledge, this variant has not been reported in the literature or in a large population database, indicating this variant is rare. At this time, the clinical significance of this variant is uncertain due to the absence of conclusive functional and genetic evidence.

NM_001037.5(SCN1B):c.215G>A (p.Arg72His)

Gene: SCN1B (sodium voltage-gated channel beta subunit 1; plus strand). Cytogenetic location: 19q13.11.
Variant type: single nucleotide variant.
Coding change: c.215G>A on transcript NM_001037.5 (MANE Select); coding-DNA position 215, G replaced by A.
Protein change: p.Arg72His; replaces arginine 72 with histidine.
Molecular consequence: missense variant.
Genome position (GRCh38, 1-based): chr19:35,033,506, G>A. VCF-style: chr19-35033506-G-A. GRCh37 (hg19) VCF-style: chr19-35524410-G-A.
Other names: c.116G>A, p.Arg39His (NM_001321605.2); c.215G>A, p.Arg72His (NM_199037.5); short protein forms R39H, R72H.
Identifiers: ClinVar variation 993530 (VCV000993530.14), dbSNP rs770751961, ClinGen allele CA9371990.
Genomic context (GRCh38, chr19:35,033,506, plus strand): 5'-TAAGGGAAGAGAGGCCCAGGCAGTGACACCTTCCCCTCCCTGGCTACCCCTAGATCCTGC[G>A]CTATGAGAATGAGGTGTTGCAGCTGGAGGAGGATGAGCGCTTCGAGGGCCGCGTGGTGTG-3'
Protein context (NP_001028.1, residues 62-82): KGTEEFVKIL[Arg72His]YENEVLQLEE